The following is an entry in ClinVar:

ClinVar aggregate classification (germline): Pathogenic (1 of 4 stars; one submission).

Conditions:
Hereditary cancer-predisposing syndrome. Also called: Tumor predisposition; Neoplastic Syndromes, Hereditary; Hereditary Cancer Syndrome; Hereditary neoplastic syndrome. Identifiers: Orphanet 140162, MedGen C0027672, MeSH D009386, MONDO:0015356.

Submission:

Color Diagnostics, LLC DBA Color Health
Classification: Pathogenic for Hereditary cancer-predisposing syndrome. Last evaluated: 2022-03-28. Review status: criteria provided, single submitter. Criteria: ACMG Guidelines, 2015. Collection method: clinical testing. Allele origin: germline.
Comment: This variant inserts 2 nucleotides in exon 49 of the ATM gene, creating a frameshift and premature translation stop signal. This variant is expected to result in an absent or non-functional protein product. To our knowledge, this variant has not been reported in individuals affected with hereditary cancer in the literature. This variant has not been identified in the general population by the Genome Aggregation Database (gnomAD). Loss of ATM function is a known mechanism of disease. Based on the available evidence, this variant is classified as Pathogenic.

NM_000051.4(ATM):c.7216_7217insTA (p.Lys2406fs)

Genes: ATM (ATM serine/threonine kinase; plus strand), C11orf65 (chromosome 11 open reading frame 65; minus strand). Cytogenetic location: 11q22.3.
Variant type: Insertion.
Coding change: c.7216_7217insTA on transcript NM_000051.4 (MANE Select); coding-DNA positions 7216 to 7217, TA inserted.
Protein change: p.Lys2406fs; shifts the reading frame from lysine 2406.
Molecular consequence: frameshift variant. On other transcripts: intron variant (2).
Genome position: GRCh38 VCF-style: chr11-108329146-G-GAT. GRCh37 (hg19) VCF-style: chr11-108199873-G-GAT.
Other names: c.7216_7217insTA, p.Lys2406fs (NM_001351834.2); c.641-20076_641-20075insTA (NM_001330368.2); c.*38+6073_*38+6074insTA (NM_001351110.2); short protein forms K2406fs.
Identifiers: ClinVar variation 2774713 (VCV002774713.1), dbSNP rs2547249302, ClinGen allele CA2697556948.